The following is an entry in ClinVar:

ClinVar aggregate classification (germline): Benign (0 of 4 stars; one submission).

Conditions:
TRAPPC2L-related disorder. Also called: TRAPPC2L-related condition.

Allele frequency attached by ClinVar (database versions not stated): gnomAD exomes 0.03281; ExAC 0.04573; gnomAD 0.08836; 1000 Genomes Project 0.09225; 1000 Genomes Project 30x 0.09369; TOPMed 0.09478.
gnomAD v4.1: 52,949 of 1,343,938 alleles (3.9%); highest among the groups gnomAD compares: African/African-American, 25%; 2,708 homozygotes.

Submission:

PreventionGenetics, part of Exact Sciences
Classification: Benign for TRAPPC2L-related condition. Last evaluated: 2020-01-02. Review status: no assertion criteria provided. Collection method: clinical testing. Allele origin: germline.
Comment: This variant is classified as benign based on ACMG/AMP sequence variant interpretation guidelines (Richards et al. 2015 PMID: 25741868, with internal and published modifications).

NM_001318525.2(TRAPPC2L):c.207-82A>G

Gene: TRAPPC2L (trafficking protein particle complex subunit 2L; plus strand). Cytogenetic location: 16q24.3.
Variant type: single nucleotide variant.
Coding change: c.207-82A>G on transcript NM_001318525.2 (MANE Select); 82 bases into the intron before coding-DNA position 207, A replaced by G.
Molecular consequence: intron variant. On other transcripts: missense variant (4), non-coding transcript variant (2).
Genome position (GRCh38, 1-based): chr16:88,859,581, A>G. VCF-style: chr16-88859581-A-G. GRCh37 (hg19) VCF-style: chr16-88925989-A-G.
Other names: c.95A>G, p.His32Arg (NM_001318526.2); c.32A>G, p.His11Arg (NM_001318527.2, NM_001318529.2, NM_001318532.2); c.207-82A>G (NM_001318524.2, NM_016209.5); c.117-82A>G (NM_001318528.2, NM_001318530.2); short protein forms H11R, H32R.
Identifiers: ClinVar variation 3059812 (VCV003059812.2), dbSNP rs3784873, ClinGen allele CA8235594.